The following is an entry in ClinVar:

ClinVar aggregate classification (germline): Uncertain significance. Review status: criteria provided, multiple submitters, no conflicts (2 of 4 stars). 2 submissions from 2 submitters: Uncertain significance (2). Last evaluated 2025-10-07.

Conditions:
Inborn genetic diseases. Identifiers: MedGen C0950123, MeSH D030342.

Allele frequency attached by ClinVar (database versions not stated): TOPMed below 0.00001.

Submissions (2):

Ambry Genetics
Classification: Uncertain significance for Inborn genetic diseases. Last evaluated: 2025-10-07. Review status: criteria provided, single submitter. Criteria: Ambry Variant Classification Scheme 2023. Collection method: clinical testing. Allele origin: germline.

Labcorp Genetics (formerly Invitae), Labcorp
Classification: Uncertain significance. Last evaluated: 2022-05-10. Review status: criteria provided, single submitter. Criteria: Invitae Variant Classification Sherloc (09022015). Collection method: clinical testing. Allele origin: germline.
Comment: In summary, the available evidence is currently insufficient to determine the role of this variant in disease. Therefore, it has been classified as a Variant of Uncertain Significance. Algorithms developed to predict the effect of missense changes on protein structure and function are either unavailable or do not agree on the potential impact of this missense change (SIFT: "Deleterious"; PolyPhen-2: "Probably Damaging"; Align-GVGD: "Class C0"). This variant has not been reported in the literature in individuals affected with NYX-related conditions. This variant is present in population databases (no rsID available, gnomAD 0.02%). This sequence change replaces arginine, which is basic and polar, with histidine, which is basic and polar, at codon 124 of the NYX protein (p.Arg124His).

NM_001378477.3(NYX):c.356G>A (p.Arg119His)

Gene: NYX (nyctalopin; plus strand). Cytogenetic location: Xp11.4.
Variant type: single nucleotide variant.
Coding change: c.356G>A on transcript NM_001378477.3 (MANE Select); coding-DNA position 356, G replaced by A.
Protein change: p.Arg119His; replaces arginine 119 with histidine.
Molecular consequence: missense variant.
Genome position (GRCh38, 1-based): chrX:41,473,824, G>A. VCF-style: chrX-41473824-G-A. GRCh37 (hg19) VCF-style: chrX-41333077-G-A.
Other names: c.356G>A, p.Arg119His (NM_022567.3); c.371G>A (NM_022567.2); short protein forms R119H.
Identifiers: ClinVar variation 1386831 (VCV001386831.9), dbSNP rs1339515473, ClinGen allele CA412989957.